The following is an entry in ClinVar:

NM_000548.5(TSC2):c.2225C>G (p.Ser742Ter)

Gene: TSC2 (TSC complex subunit 2; plus strand). Cytogenetic location: 16p13.3.
Variant type: single nucleotide variant.
Coding change: c.2225C>G on transcript NM_000548.5 (MANE Select); coding-DNA position 2225, C replaced by G.
Protein change: p.Ser742Ter; replaces serine 742 with a stop codon.
Molecular consequence: nonsense.
Genome position (GRCh38, 1-based): chr16:2,072,853, C>G. VCF-style: chr16-2072853-C-G. GRCh37 (hg19) VCF-style: chr16-2122854-C-G.
Other names: c.2225C>G, p.Ser742Ter (NM_001077183.3, NM_001114382.3, NM_001363528.2 and 3 more transcripts); c.2114C>G, p.Ser705Ter (NM_001318827.2); c.2078C>G, p.Ser693Ter (NM_001318829.2); c.1625C>G, p.Ser542Ter (NM_001318831.2); c.2258C>G, p.Ser753Ter (NM_001318832.2); c.2225C>G (NM_000548.4); short protein forms S742*, S705*, S753*, S542*, S693*.
Identifiers: ClinVar variation 49199 (VCV000049199.5), dbSNP rs45517220, ClinGen allele CA017007.

ClinVar aggregate classification (germline): Pathogenic. Review status: criteria provided, single submitter (1 of 4 stars). 3 submissions from 3 submitters: Pathogenic (1). 2 of the submissions do not count toward it. Last evaluated 2024-02-27.

Conditions:
TSC2-related disorder. Also called: TSC2-related condition; TSC2-Related Disorders.
Tuberous sclerosis syndrome (TSC). Also called: Tuberous Sclerosis Complex; Tuberous sclerosis. Identifiers: Orphanet 805, MedGen C0041341, MONDO:0001734.

Submissions (3):

GeneDx
Classification: Pathogenic. Last evaluated: 2024-02-27. Review status: criteria provided, single submitter. Criteria: GeneDx Variant Classification Process June 2021. Collection method: clinical testing. Allele origin: germline. Affected: yes.
Comment: Nonsense variant predicted to result in protein truncation or nonsense mediated decay in a gene for which loss of function is a known mechanism of disease; Not observed at significant frequency in large population cohorts (gnomAD); This variant is associated with the following publications: (PMID: 25525159, 11112665, 10735580)

PreventionGenetics, part of Exact Sciences
Classification: Pathogenic for TSC2-related condition. Last evaluated: 2024-02-23. Review status: no assertion criteria provided. Collection method: clinical testing. Allele origin: germline. Not counted in ClinVar's aggregate classification.
Comment: The TSC2 c.2225C>G variant is predicted to result in premature protein termination (p.Ser742*). This variant has been reported in an individual with tuberous sclerosis (Choy et al. 1999. PubMed ID: 10735580). This variant has not been reported in a large population database, indicating this variant is rare. Nonsense variants in TSC2 are expected to be pathogenic. This variant is interpreted as pathogenic.

Tuberous sclerosis database (TSC2)
No classification provided. Condition: TSC. Review status: no classification provided. Criteria: Tuberous Sclerosis Database Assertion Criteria 2015. Collection method: curation. Allele origin: germline. Affected: yes. Not counted in ClinVar's aggregate classification.